The following is an entry in ClinVar:

NM_004247.4(EFTUD2):c.2662C>T (p.Arg888Trp)

Gene: EFTUD2 (elongation factor Tu GTP binding domain containing 2; minus strand). Cytogenetic location: 17q21.31.
Variant type: single nucleotide variant.
Coding change: c.2662C>T on transcript NM_004247.4 (MANE Select); coding-DNA position 2662, C replaced by T.
Protein change: p.Arg888Trp; replaces arginine 888 with tryptophan.
Molecular consequence: missense variant.
Genome position (GRCh38, 1-based): chr17:44,852,462, G>A on the plus strand (C>T on the coding strand, the complement: EFTUD2 is on the minus strand). VCF-style: chr17-44852462-G-A. GRCh37 (hg19) VCF-style: chr17-42929830-G-A.
Other names: c.2557C>T, p.Arg853Trp (NM_001142605.2); c.2662C>T, p.Arg888Trp (NM_001258353.2); c.2632C>T, p.Arg878Trp (NM_001258354.2); short protein forms R853W, R878W, R888W.
Identifiers: ClinVar variation 3373510 (VCV003373510.1).

ClinVar aggregate classification (germline): Uncertain significance (1 of 4 stars; one submission).

gnomAD v4.1: 1 of 1,614,106 alleles (0.000062%); highest among the groups gnomAD compares: Non-Finnish European, 0.000085%; no homozygotes.

Submission:

GeneDx
Classification: Uncertain significance. Last evaluated: 2024-02-29. Review status: criteria provided, single submitter. Criteria: GeneDx Variant Classification Process June 2021. Collection method: clinical testing. Allele origin: germline. Affected: yes.
Comment: Not observed at significant frequency in large population cohorts (gnomAD); In silico analysis supports that this missense variant has a deleterious effect on protein structure/function; Has not been previously published as pathogenic or benign to our knowledge